The following is an entry in ClinVar:

NM_001100.4(ACTA1):c.61G>A (p.Ala21Thr)

Gene: ACTA1 (actin alpha 1, skeletal muscle; minus strand). Cytogenetic location: 1q42.13.
Variant type: single nucleotide variant.
Coding change: c.61G>A on transcript NM_001100.4 (MANE Select); coding-DNA position 61, G replaced by A.
Protein change: p.Ala21Thr; replaces alanine 21 with threonine.
Molecular consequence: missense variant.
Genome position (GRCh38, 1-based): chr1:229,433,055, C>T on the plus strand (G>A on the coding strand, the complement: ACTA1 is on the minus strand). VCF-style: chr1-229433055-C-T. GRCh37 (hg19) VCF-style: chr1-229568802-C-T.
Other names: short protein forms A21T.
Identifiers: ClinVar variation 930499 (VCV000930499.6), dbSNP rs1659986179, ClinGen allele CA345151573.

ClinVar aggregate classification (germline): Uncertain significance. Review status: criteria provided, multiple submitters, no conflicts (2 of 4 stars). 2 submissions from 2 submitters: Uncertain significance (2). Last evaluated 2023-05-01.

Conditions:
Progressive scapulohumeroperoneal distal myopathy. Also called: Myopathy, scapulohumeroperoneal. Identifiers: Orphanet 447977, MedGen C4225181, MONDO:0014800, OMIM 616852.
Actin accumulation myopathy (CMYO2A). Also called: Myopathy, actin, congenital, with excess of thin myofilaments; Myopathy, actin, congenital, with cores; Nemaline myopathy 3, with intranuclear rods; Nemaline myopathy type 3; CONGENITAL MYOPATHY 2A, TYPICAL, AUTOSOMAL DOMINANT. Identifiers: Orphanet 98904, MedGen C3711389, MONDO:0008070, OMIM 161800.

Submissions (2):

Labcorp Genetics (formerly Invitae), Labcorp
Classification: Uncertain significance for Actin accumulation myopathy. Last evaluated: 2023-05-01. Review status: criteria provided, single submitter. Criteria: Invitae Variant Classification Sherloc (09022015). Collection method: clinical testing. Allele origin: germline.
Comment: This sequence change replaces alanine, which is neutral and non-polar, with threonine, which is neutral and polar, at codon 21 of the ACTA1 protein (p.Ala21Thr). This variant is not present in population databases (gnomAD no frequency). This variant has not been reported in the literature in individuals affected with ACTA1-related conditions. ClinVar contains an entry for this variant (Variation ID: 930499). Advanced modeling of protein sequence and biophysical properties (such as structural, functional, and spatial information, amino acid conservation, physicochemical variation, residue mobility, and thermodynamic stability) has been performed at Invitae for this missense variant, however the output from this modeling did not meet the statistical confidence thresholds required to predict the impact of this variant on ACTA1 protein function. In summary, the available evidence is currently insufficient to determine the role of this variant in disease. Therefore, it has been classified as a Variant of Uncertain Significance.

Centre for Mendelian Genomics, University Medical Centre Ljubljana
Classification: Uncertain significance for Progressive scapulohumeroperoneal distal myopathy. Last evaluated: 2019-05-27. Review status: criteria provided, single submitter. Criteria: ACMG Guidelines, 2015. Collection method: clinical testing. Allele origin: unknown. Affected: yes.
Comment: This variant was classified as: Uncertain significance. The following ACMG criteria were applied in classifying this variant: PM2,PP2,PP3.